The following is an entry in ClinVar:

NM_182914.3(SYNE2):c.4726G>T (p.Glu1576Ter)

Gene: SYNE2 (spectrin repeat containing nuclear envelope protein 2; plus strand). Cytogenetic location: 14q23.2.
Variant type: single nucleotide variant.
Coding change: c.4726G>T on transcript NM_182914.3 (MANE Select); coding-DNA position 4726, G replaced by T.
Protein change: p.Glu1576Ter; replaces glutamic acid 1576 with a stop codon.
Molecular consequence: nonsense.
Genome position (GRCh38, 1-based): chr14:64,010,114, G>T. VCF-style: chr14-64010114-G-T. GRCh37 (hg19) VCF-style: chr14-64476832-G-T.
Other names: c.4726G>T, p.Glu1576Ter (NM_015180.6); short protein forms E1576*.
Identifiers: ClinVar variation 4774658 (VCV004774658.1).

ClinVar aggregate classification (germline): Uncertain significance (1 of 4 stars; one submission).

Conditions:
Emery-Dreifuss muscular dystrophy 5, autosomal dominant (EDMD5). Also called: EMERY-DREIFUSS MUSCULAR DYSTROPHY 5. Identifiers: Orphanet 261, MedGen C2751805, MONDO:0013072, OMIM 612999.

gnomAD v4.1: 3 of 1,611,246 alleles (0.00019%); highest among the groups gnomAD compares: Non-Finnish European, 0.00025%; no homozygotes.

Submission:

Labcorp Genetics (formerly Invitae), Labcorp
Classification: Uncertain significance for Emery-Dreifuss muscular dystrophy 5, autosomal dominant. Last evaluated: 2026-01-26. Review status: criteria provided, single submitter. Criteria: Invitae Variant Classification Sherloc (09022015). Collection method: clinical testing. Allele origin: germline.
Comment: This sequence change creates a premature translational stop signal (p.Glu1576*) in the SYNE2 gene. It is expected to result in an absent or disrupted protein product. However, the current clinical and genetic evidence is not sufficient to establish whether loss-of-function variants in SYNE2 cause disease. This variant is not present in population databases (gnomAD no frequency). This variant has not been reported in the literature in individuals affected with SYNE2-related conditions. In summary, the available evidence is currently insufficient to determine the role of this variant in disease. Therefore, it has been classified as a Variant of Uncertain Significance.